The following is an entry in ClinVar:

NM_005026.5(PIK3CD):c.976G>A (p.Glu326Lys)

Gene: PIK3CD (phosphatidylinositol-4,5-bisphosphate 3-kinase catalytic subunit delta; plus strand). Cytogenetic location: 1p36.22.
Variant type: single nucleotide variant.
Coding change: c.976G>A on transcript NM_005026.5 (MANE Select); coding-DNA position 976, G replaced by A.
Protein change: p.Glu326Lys; replaces glutamic acid 326 with lysine.
Molecular consequence: missense variant.
Genome position (GRCh38, 1-based): chr1:9,717,582, G>A. VCF-style: chr1-9717582-G-A. GRCh37 (hg19) VCF-style: chr1-9777640-G-A.
Other names: c.976G>A, p.Glu326Lys (NM_001350234.2); c.889G>A, p.Glu297Lys (NM_001350235.1); short protein forms E326K, E297K.
Identifiers: ClinVar variation 851728 (VCV000851728.10), dbSNP rs148703447, ClinGen allele CA577043.

ClinVar aggregate classification (germline): Uncertain significance (1 of 4 stars; one submission).

Conditions:
Immunodeficiency 14 (IMD14A). Also called: p110-DELTA-ACTIVATING MUTATION CAUSING SENESCENT T CELLS, LYMPHADENOPATHY, AND IMMUNODEFICIENCY; Activated PI3K Delta Syndrome Type 1 (APDS1); ACTIVATED PI3K-DELTA SYNDROME 1; IMMUNODEFICIENCY 14A WITH LYMPHOPROLIFERATION, AUTOSOMAL DOMINANT. Identifiers: Orphanet 397596, Orphanet 693661, MedGen C5907821, MONDO:0014222, OMIM 615513.

Allele frequency attached by ClinVar (database versions not stated): TOPMed 0.00002; gnomAD 0.00001; gnomAD exomes 0.00001; ESP Exome Variant Server 0.00015; ExAC 0.00002.
gnomAD v4.1: 16 of 1,613,988 alleles (0.00099%); highest among the groups gnomAD compares: African/African-American, 0.0027%; no homozygotes.

Submission:

Labcorp Genetics (formerly Invitae), Labcorp
Classification: Uncertain significance for Activated PI3K-delta syndrome. Last evaluated: 2025-06-12. Review status: criteria provided, single submitter. Criteria: Invitae Variant Classification Sherloc (09022015). Collection method: clinical testing. Allele origin: germline.
Comment: This sequence change replaces glutamic acid, which is acidic and polar, with lysine, which is basic and polar, at codon 326 of the PIK3CD protein (p.Glu326Lys). This variant is present in population databases (rs148703447, gnomAD 0.003%). This variant has not been reported in the literature in individuals affected with PIK3CD-related conditions. ClinVar contains an entry for this variant (Variation ID: 851728). Invitae Evidence Modeling of protein sequence and biophysical properties (such as structural, functional, and spatial information, amino acid conservation, physicochemical variation, residue mobility, and thermodynamic stability) indicates that this missense variant is not expected to disrupt PIK3CD protein function with a negative predictive value of 80%. In summary, the available evidence is currently insufficient to determine the role of this variant in disease. Therefore, it has been classified as a Variant of Uncertain Significance.